The following is an entry in ClinVar:

ClinVar aggregate classification (germline): Uncertain significance (1 of 4 stars; one submission).

Submission:

Labcorp Genetics (formerly Invitae), Labcorp
Classification: Uncertain significance. Last evaluated: 2025-10-02. Review status: criteria provided, single submitter. Criteria: Invitae Variant Classification Sherloc (09022015). Collection method: clinical testing. Allele origin: germline.
Comment: This sequence change replaces valine, which is neutral and non-polar, with phenylalanine, which is neutral and non-polar, at codon 177 of the PROKR2 protein (p.Val177Phe). This variant is not present in population databases (gnomAD no frequency). This variant has not been reported in the literature in individuals affected with PROKR2-related conditions. Invitae Evidence Modeling of protein sequence and biophysical properties (such as structural, functional, and spatial information, amino acid conservation, physicochemical variation, residue mobility, and thermodynamic stability) has been performed for this missense variant. However, the output from this modeling did not meet the statistical confidence thresholds required to predict the impact of this variant on PROKR2 protein function. In summary, the available evidence is currently insufficient to determine the role of this variant in disease. Therefore, it has been classified as a Variant of Uncertain Significance.

NM_144773.4(PROKR2):c.529G>T (p.Val177Phe)

Gene: PROKR2 (prokineticin receptor 2; minus strand). Cytogenetic location: 20p12.3.
Variant type: single nucleotide variant.
Coding change: c.529G>T on transcript NM_144773.4 (MANE Select); coding-DNA position 529, G replaced by T.
Protein change: p.Val177Phe; replaces valine 177 with phenylalanine.
Molecular consequence: missense variant.
Genome position (GRCh38, 1-based): chr20:5,302,666, C>A on the plus strand (G>T on the coding strand, the complement: PROKR2 is on the minus strand). VCF-style: chr20-5302666-C-A. GRCh37 (hg19) VCF-style: chr20-5283312-C-A.
Other names: short protein forms V177F.
Identifiers: ClinVar variation 4745530 (VCV004745530.1).
Genomic context (GRCh38, chr20:5,302,666, plus strand): 5'-GGACCGTTTCTGTTGCAAAGTAAGCCGATGGGATGGCAATGAGAATGGACACCATCCAGA[C>A]CAAGGCGATCAGGAAGGAGGCCGTTTGATAATTCATCCGTGGTTTCAAGGGGTGAACGAT-3'
Protein context (NP_658986.1, residues 167-187): YQTASFLIAL[Val177Phe]WMVSILIAIP